The following is an entry in ClinVar:

ClinVar aggregate classification (germline): Uncertain significance (1 of 4 stars; one submission).

gnomAD v4.1: 4 of 1,613,348 alleles (0.00025%); highest among the groups gnomAD compares: African/African-American, 0.0013%; no homozygotes.

Submission:

Labcorp Genetics (formerly Invitae), Labcorp
Classification: Uncertain significance. Last evaluated: 2022-02-21. Review status: criteria provided, single submitter. Criteria: Invitae Variant Classification Sherloc (09022015). Collection method: clinical testing. Allele origin: germline.
Comment: Algorithms developed to predict the effect of missense changes on protein structure and function (SIFT, PolyPhen-2, Align-GVGD) all suggest that this variant is likely to be tolerated. This sequence change replaces asparagine, which is neutral and polar, with lysine, which is basic and polar, at codon 1039 of the AEBP1 protein (p.Asn1039Lys). This variant is not present in population databases (gnomAD no frequency). This variant has not been reported in the literature in individuals affected with AEBP1-related conditions. In summary, the available evidence is currently insufficient to determine the role of this variant in disease. Therefore, it has been classified as a Variant of Uncertain Significance.

NM_001129.5(AEBP1):c.3117C>A (p.Asn1039Lys)

Gene: AEBP1 (AE binding protein 1; plus strand). Cytogenetic location: 7p13.
Variant type: single nucleotide variant.
Coding change: c.3117C>A on transcript NM_001129.5 (MANE Select); coding-DNA position 3117, C replaced by A.
Protein change: p.Asn1039Lys; replaces asparagine 1039 with lysine.
Molecular consequence: missense variant.
Genome position (GRCh38, 1-based): chr7:44,113,901, C>A. VCF-style: chr7-44113901-C-A. GRCh37 (hg19) VCF-style: chr7-44153500-C-A.
Other names: short protein forms N1039K.
Identifiers: ClinVar variation 1928484 (VCV001928484.5), dbSNP rs749382269, ClinGen allele CA367374669.
Genomic context (GRCh38, chr7:44,113,901, plus strand): 5'-GCAGCGACGCCTACAACACCGCCTGCGGCTTCGGGCACAGATGCGGCTGCGGCGCCTCAA[C>A]GCCACCACCACCCTAGGCCCCCACACTGTGCCTCCCACGCTGCCCCCTGCCCCTGCCACC-3'
Protein context (NP_001120.3, residues 1029-1049): LRAQMRLRRL[Asn1039Lys]ATTTLGPHTV